The following is an entry in ClinVar:

NM_000487.6(ARSA):c.931G>T (p.Gly311Cys)

Gene: ARSA (arylsulfatase A; minus strand). Cytogenetic location: 22q13.33.
Variant type: single nucleotide variant.
Coding change: c.931G>T on transcript NM_000487.6 (MANE Select); coding-DNA position 931, G replaced by T.
Protein change: p.Gly311Cys; replaces glycine 311 with cysteine.
Molecular consequence: missense variant.
Genome position (GRCh38, 1-based): chr22:50,626,202, C>A on the plus strand (G>T on the coding strand, the complement: ARSA is on the minus strand). VCF-style: chr22-50626202-C-A. GRCh37 (hg19) VCF-style: chr22-51064630-C-A.
Other names: c.931G>T, p.Gly311Cys (NM_001085425.3, NM_001085426.3, NM_001085427.3); c.673G>T, p.Gly225Cys (NM_001085428.3, NM_001362782.2); short protein forms G311C, G225C.
Identifiers: ClinVar variation 2727052 (VCV002727052.3), dbSNP rs74315459, ClinGen allele CA412174553.

ClinVar aggregate classification (germline): Likely pathogenic (1 of 4 stars; one submission).

Conditions:
Metachromatic leukodystrophy (MLD). Also called: Cerebral sclerosis diffuse metachromatic form; Arylsulfatase A Deficiency; ARSA DEFICIENCY; CEREBROSIDE SULFATASE DEFICIENCY; METACHROMATIC LEUKOENCEPHALOPATHY; SULFATIDE LIPIDOSIS. Identifiers: Orphanet 512, MedGen C0023522, MONDO:0018868, OMIM 250100.

Allele frequency attached by ClinVar (database versions not stated): TOPMed below 0.00001.
gnomAD v4.1: 1 of 1,611,886 alleles (0.000062%); highest among the groups gnomAD compares: Non-Finnish European, 0.000085%; no homozygotes.

Submission:

Labcorp Genetics (formerly Invitae), Labcorp
Classification: Likely pathogenic for Metachromatic leukodystrophy. Last evaluated: 2022-11-29. Review status: criteria provided, single submitter. Criteria: Invitae Variant Classification Sherloc (09022015). Collection method: clinical testing. Allele origin: germline.
Comment: Advanced modeling of protein sequence and biophysical properties (such as structural, functional, and spatial information, amino acid conservation, physicochemical variation, residue mobility, and thermodynamic stability) performed at Invitae indicates that this missense variant is expected to disrupt ARSA protein function. This variant is also known as p.Gly309Cys. This missense change has been observed in individual(s) with metachromatic leukodystrophy (PMID: 30674982). This variant is not present in population databases (gnomAD no frequency). This sequence change replaces glycine, which is neutral and non-polar, with cysteine, which is neutral and slightly polar, at codon 311 of the ARSA protein (p.Gly311Cys). This variant disrupts the p.Gly311 amino acid residue in ARSA. Other variant(s) that disrupt this residue have been determined to be pathogenic (PMID: 8101038, 26462614, 28670130). This suggests that this residue is clinically significant, and that variants that disrupt this residue are likely to be disease-causing. In summary, the currently available evidence indicates that the variant is pathogenic, but additional data are needed to prove that conclusively. Therefore, this variant has been classified as Likely Pathogenic.

Literature cited by the submitters: PubMed 30674982; PubMed 8101038; PubMed 26462614; PubMed 28670130.